The following is an entry in ClinVar:

NM_007294.4(BRCA1):c.5535C>A (p.Tyr1845Ter)

Gene: BRCA1 (BRCA1 DNA repair associated; minus strand). Cytogenetic location: 17q21.31.
Variant type: single nucleotide variant.
Coding change: c.5535C>A on transcript NM_007294.4 (MANE Select); coding-DNA position 5535, C replaced by A.
Protein change: p.Tyr1845Ter; replaces tyrosine 1845 with a stop codon.
Molecular consequence: nonsense. On other transcripts: 3 prime UTR variant (1), non-coding transcript variant (1).
Genome position (GRCh38, 1-based): chr17:43,045,735, G>T on the plus strand (C>A on the coding strand, the complement: BRCA1 is on the minus strand). VCF-style: chr17-43045735-G-T. GRCh37 (hg19) VCF-style: chr17-41197752-G-T.
Other names: c.5394C>A, p.Tyr1798Ter (NM_001407728.1, NM_001407729.1, NM_001407730.1 and 12 more transcripts); c.5391C>A, p.Tyr1797Ter (NM_001407732.1, NM_001407733.1, NM_001407734.1 and 18 more transcripts); c.5535C>A, p.Tyr1845Ter (NM_001407596.1, NM_001407597.1, NM_001407598.1 and 5 more transcripts); c.5532C>A, p.Tyr1844Ter (NM_001407610.1, NM_001407611.1, NM_001407612.1 and 14 more transcripts); c.5529C>A, p.Tyr1843Ter (NM_001407627.1, NM_001407628.1, NM_001407629.1 and 13 more transcripts); c.5526C>A, p.Tyr1842Ter (NM_001407644.1, NM_001407645.1); c.5523C>A, p.Tyr1841Ter (NM_001407646.1); c.5520C>A, p.Tyr1840Ter (NM_001407647.1); and 74 more; short protein forms Y1845*, Y1798*, Y1866*, Y741*, Y1676*, Y1717*, Y1755*, Y1801*.
Identifiers: ClinVar variation 55619 (VCV000055619.9), dbSNP rs80356977, ClinGen allele CA003703.

ClinVar aggregate classification (germline): Pathogenic. Review status: reviewed by expert panel (3 of 4 stars). 4 submissions from 4 submitters: Pathogenic (1). 3 of the submissions do not count toward it. Last evaluated 2016-09-08.

Conditions:
Breast-ovarian cancer, familial, susceptibility to, 1 (BROVCA1). Also called: BRCA1 Hereditary Breast and Ovarian Cancer; OVARIAN CANCER, SUSCEPTIBILITY TO. Identifiers: Orphanet 145, MedGen C2676676, MONDO:0011450, OMIM 604370. Disease mechanism: loss of function.

Submissions (5):

Evidence-based Network for the Interpretation of Germline Mutant Alleles (ENIGMA)
Classification: Pathogenic for Breast-ovarian cancer, familial, susceptibility to, 1. Last evaluated: 2016-09-08. Review status: reviewed by expert panel. Criteria: ENIGMA BRCA1/2 Classification Criteria (2015). Collection method: curation. Allele origin: germline.
Comment: Variant allele predicted to encode a truncated non-functional protein.

GeneDx
Classification: Pathogenic. Last evaluated: 2026-02-18. Review status: criteria provided, single submitter. Criteria: GeneDx Variant Classification Process June 2021. Collection method: clinical testing. Allele origin: germline. Not counted in ClinVar's aggregate classification.
Comment: Not observed at significant frequency in large population cohorts (gnomAD); Truncating variants in this gene are considered pathogenic by a well-established clinical consortium and/or database; Published functional studies demonstrate a damaging effect: variant classified as non-functional based on a saturation genome editing (SGE) assay measuring cell survival (PMID: 30209399); Observed in individuals with breast or ovarian cancer in the published literature (PMID: 28294317, 28176296); Also known as 5654C>A; Nonsense variant predicted to result in protein truncation in a gene for which loss of function is a known mechanism of disease; This variant is associated with the following publications: (PMID: 28176296, 28294317, 29446198, 30702160, 34981296, 31825140, 30209399)

Consortium of Investigators of Modifiers of BRCA1/2 (CIMBA), c/o University of Cambridge
Classification: Pathogenic for Breast-ovarian cancer, familial, susceptibility to, 1. Last evaluated: 2015-10-02. Review status: criteria provided, single submitter. Criteria: CIMBA Mutation Classification guidelines May 2016. Collection method: clinical testing. Allele origin: germline. Not counted in ClinVar's aggregate classification.

Breast Cancer Information Core (BIC) (BRCA1)
Classification: Pathogenic for Breast-ovarian cancer, familial 1. Last evaluated: 2002-05-29. Review status: no assertion criteria provided. Collection method: clinical testing. Allele origin: germline. Affected: yes. Observed: 1 variant allele. Not counted in ClinVar's aggregate classification.

Brotman Baty Institute, University of Washington
No classification provided (evidence only). Condition: Breast-ovarian cancer, familial 1. Review status: no classification provided. Collection method: in vitro. Allele origin: not applicable. Functional consequence: functionally_abnormal. Not counted in ClinVar's aggregate classification.
ClinVar note: "not provided" was previously submitted as the classification for the variant. However, the classification appeared to be based only on an observation of functional data so it was converted to no classification on 2025-07-30.